The following is an entry in ClinVar:

NM_004360.5(CDH1):c.1103C>T (p.Thr368Ile)

Gene: CDH1 (cadherin 1; plus strand). Cytogenetic location: 16q22.1.
Variant type: single nucleotide variant.
Coding change: c.1103C>T on transcript NM_004360.5 (MANE Select); coding-DNA position 1103, C replaced by T.
Protein change: p.Thr368Ile; replaces threonine 368 with isoleucine.
Molecular consequence: missense variant. On other transcripts: 5 prime UTR variant (2).
Genome position (GRCh38, 1-based): chr16:68,812,229, C>T. VCF-style: chr16-68812229-C-T. GRCh37 (hg19) VCF-style: chr16-68846132-C-T.
Other names: c.1103C>T (LRG_301t1); c.1103C>T, p.Thr368Ile (NM_001317184.2); c.-513C>T (NM_001317185.2); c.-717C>T (NM_001317186.2); short protein forms T368I.
Identifiers: ClinVar variation 142610 (VCV000142610.16), dbSNP rs367868307, ClinGen allele CA168893.

ClinVar aggregate classification (germline): Conflicting classifications of pathogenicity. Review status: criteria provided, conflicting classifications (1 of 4 stars). 4 submissions from 4 submitters: Uncertain significance (3); Likely benign (1). Last evaluated 2025-11-25.

Conditions:
Hereditary cancer-predisposing syndrome. Also called: Neoplastic Syndromes, Hereditary; Hereditary Cancer Syndrome; Hereditary neoplastic syndrome; Tumor predisposition. Identifiers: Orphanet 140162, MedGen C0027672, MeSH D009386, MONDO:0015356.
Hereditary diffuse gastric adenocarcinoma (HDGC). Also called: DIFFUSE GASTRIC AND LOBULAR BREAST CANCER SYNDROME. Identifiers: Orphanet 26106, MedGen C1708349, MONDO:0007648, OMIM 137215.

Allele frequency attached by ClinVar (database versions not stated): gnomAD 0.00001; TOPMed 0.00001.
gnomAD v4.1: 2 of 1,614,032 alleles (0.00012%); highest among the groups gnomAD compares: East Asian, 0.0045%; no homozygotes.

Submissions (4):

Labcorp Genetics (formerly Invitae), Labcorp
Classification: Uncertain significance for Hereditary diffuse gastric adenocarcinoma. Last evaluated: 2025-11-25. Review status: criteria provided, single submitter. Criteria: Invitae Variant Classification Sherloc (09022015). Collection method: clinical testing. Allele origin: germline.
Comment: This sequence change replaces threonine, which is neutral and polar, with isoleucine, which is neutral and non-polar, at codon 368 of the CDH1 protein (p.Thr368Ile). This variant is present in population databases (rs367868307, gnomAD 0.06%). This variant has not been reported in the literature in individuals affected with CDH1-related conditions. ClinVar contains an entry for this variant (Variation ID: 142610). An algorithm developed to predict the effect of missense changes on protein structure and function outputs the following: PolyPhen-2: "Benign". The isoleucine amino acid residue is found in multiple mammalian species, which suggests that this missense change does not adversely affect protein function. In summary, the available evidence is currently insufficient to determine the role of this variant in disease. Therefore, it has been classified as a Variant of Uncertain Significance.

Color Diagnostics, LLC DBA Color Health
Classification: Uncertain significance for Hereditary cancer-predisposing syndrome. Last evaluated: 2024-09-25. Review status: criteria provided, single submitter. Criteria: ACMG Guidelines, 2015. Collection method: clinical testing. Allele origin: germline.
Comment: This missense variant replaces threonine with isoleucine at codon 368 of the CDH1 protein. To our knowledge, functional studies have not been reported for this variant. This variant has not been reported in individuals affected with CDH1-related disorders in the literature. This variant has been identified in 1/31402 chromosomes in the general population by the Genome Aggregation Database (gnomAD). The available evidence is insufficient to determine the role of this variant in disease conclusively. Therefore, this variant is classified as a Variant of Uncertain Significance.

Ambry Genetics
Classification: Likely benign for Hereditary cancer-predisposing syndrome. Last evaluated: 2022-09-29. Review status: criteria provided, single submitter. Criteria: Ambry Variant Classification Scheme 2023. Collection method: clinical testing. Allele origin: germline.

Quest Diagnostics Nichols Institute San Juan Capistrano
Classification: Uncertain significance. Last evaluated: 2017-09-04. Review status: criteria provided, single submitter. Criteria: Quest Diagnostics criteria. Collection method: clinical testing. Allele origin: germline.